The following is an entry in ClinVar:

ClinVar aggregate classification (germline): Conflicting classifications of pathogenicity. Review status: criteria provided, conflicting classifications (1 of 4 stars). 2 submissions from 2 submitters: Uncertain significance (1); Likely benign (1). Last evaluated 2025-08-01.

Allele frequency attached by ClinVar (database versions not stated): ESP Exome Variant Server 0.00008; gnomAD 0.00013; TOPMed 0.00014; 1000 Genomes Project 30x 0.00016; gnomAD exomes 0.00017; 1000 Genomes Project 0.00020; ExAC 0.00028.

Submissions (2):

CeGaT Center for Human Genetics Tuebingen
Classification: Likely benign. Last evaluated: 2025-08-01. Review status: criteria provided, single submitter. Criteria: CeGaT Center For Human Genetics Tuebingen Variant Classification Criteria Version 2. Collection method: clinical testing. Allele origin: germline. Affected: yes. Observed: 2 variant alleles.
Comment: CFAP251: BP4

Ambry Genetics
Classification: Uncertain significance. Last evaluated: 2023-12-26. Review status: criteria provided, single submitter. Criteria: Ambry Variant Classification Scheme 2023. Collection method: clinical testing. Allele origin: germline.

NM_144668.6(CFAP251):c.3261G>T (p.Met1087Ile)

Gene: CFAP251 (cilia and flagella associated protein 251; plus strand). Cytogenetic location: 12q24.31.
Variant type: single nucleotide variant.
Coding change: c.3261G>T on transcript NM_144668.6 (MANE Select); coding-DNA position 3261, G replaced by T.
Protein change: p.Met1087Ile; replaces methionine 1087 with isoleucine.
Molecular consequence: missense variant.
Genome position (GRCh38, 1-based): chr12:122,001,522, G>T. VCF-style: chr12-122001522-G-T. GRCh37 (hg19) VCF-style: chr12-122439428-G-T.
Other names: c.3261G>T (NM_144668.5); short protein forms M1087I.
Identifiers: ClinVar variation 2643492 (VCV002643492.25), dbSNP rs199850417, ClinGen allele CA6841131.